The following is an entry in ClinVar:

ClinVar aggregate classification (germline): Uncertain significance (1 of 4 stars; one submission).

Submission:

Ambry Genetics
Classification: Uncertain significance. Last evaluated: 2025-12-10. Review status: criteria provided, single submitter. Criteria: Ambry Variant Classification Scheme 2023. Collection method: clinical testing. Allele origin: germline.
Comment: The p.P108R variant (also known as c.323C>G), located in coding exon 1 of the WNK2 gene, results from a C to G substitution at nucleotide position 323. The proline at codon 108 is replaced by arginine, an amino acid with dissimilar properties. This amino acid position is conserved. In addition, this alteration is predicted to be tolerated by in silico analysis. Based on the available evidence, the clinical significance of this variant remains unclear.

NM_006648.4(WNK2):c.323C>G (p.Pro108Arg)

Gene: WNK2 (WNK lysine deficient protein kinase 2; plus strand). Cytogenetic location: 9q22.31.
Variant type: single nucleotide variant.
Coding change: c.323C>G on transcript NM_006648.4 (MANE Select); coding-DNA position 323, C replaced by G.
Protein change: p.Pro108Arg; replaces proline 108 with arginine.
Molecular consequence: missense variant.
Genome position (GRCh38, 1-based): chr9:93,185,252, C>G. VCF-style: chr9-93185252-C-G. GRCh37 (hg19) VCF-style: chr9-95947534-C-G.
Other names: c.323C>G, p.Pro108Arg (NM_001282394.3); short protein forms P108R.
Identifiers: ClinVar variation 4605424 (VCV004605424.1).